The following is an entry in ClinVar:

ClinVar aggregate classification (germline): Pathogenic (1 of 4 stars; one submission).

Conditions:
Hereditary breast ovarian cancer syndrome. Also called: Hereditary breast and ovarian cancer syndrome (HBOC); Hereditary breast and/or ovarian cancer syndrome; Hereditary breast and ovarian cancer; BRCA1- and BRCA2-Associated Hereditary Breast and Ovarian Cancer; Hereditary breast and ovarian cancer syndrome; Breast and ovarian cancer. Identifiers: Orphanet 145, MedGen C0677776, MeSH D061325, MONDO:0003582. Disease mechanism: loss of function.

Submission:

Labcorp Genetics (formerly Invitae), Labcorp
Classification: Pathogenic for Hereditary breast ovarian cancer syndrome. Last evaluated: 2022-07-12. Review status: criteria provided, single submitter. Criteria: Invitae Variant Classification Sherloc (09022015). Collection method: clinical testing. Allele origin: germline.
Comment: This sequence change affects an acceptor splice site in intron 9 of the BRCA1 gene. It is expected to disrupt RNA splicing. Variants that disrupt the donor or acceptor splice site typically lead to a loss of protein function (PMID: 16199547), and loss-of-function variants in BRCA1 are known to be pathogenic (PMID: 20104584). This variant is not present in population databases (gnomAD no frequency). This variant has not been reported in the literature in individuals affected with BRCA1-related conditions. ClinVar contains an entry for this variant (Variation ID: 1073509). Algorithms developed to predict the effect of sequence changes on RNA splicing suggest that this variant may disrupt the consensus splice site. For these reasons, this variant has been classified as Pathogenic.

Literature cited by the submitters: PubMed 16199547; PubMed 20104584.

NM_007294.4(BRCA1):c.671-8_671-2del

Gene: BRCA1 (BRCA1 DNA repair associated; minus strand). Cytogenetic location: 17q21.31.
Variant type: Deletion.
Coding change: c.671-8_671-2del on transcript NM_007294.4 (MANE Select); 8 bases into the intron before coding-DNA position 671 through the canonical splice acceptor site of the intron before coding-DNA position 671, 7 bases deleted (ATTTTCA; older notation c.671-8_671-2delATTTTCA).
Molecular consequence: splice acceptor variant. On other transcripts: intron variant (13).
Genome position (GRCh38, 1-based): chr17:43,094,862-43,094,868, TGAAAAT deleted on the plus strand (ATTTTCA on the coding strand, the reverse complement: BRCA1 is on the minus strand). VCF-style (leftmost placement, unchanged base first): chr17-43094861-CTGAAAAT-C. GRCh37 (hg19) VCF-style: chr17-41246878-CTGAAAAT-C.
Other names: c.671-8_671-2del (NM_001407583.1, NM_001407982.1, NM_001407970.1 and 53 more transcripts); c.530-8_530-2del (NM_001407724.1, NM_001407697.1, NM_001408410.1 and 43 more transcripts); c.527-8_527-2del (NM_001407838.1, NM_001407741.1, NM_001407747.1 and 26 more transcripts); c.593-8_593-2del (NM_001408415.1, NM_001408412.1, NM_001407656.1 and 9 more transcripts); c.461-8_461-2del (NM_001408483.1, NM_001407885.1, NM_001407886.1 and 25 more transcripts); c.668-8_668-2del (NM_001407634.1, NM_001407610.1, NM_001408397.1 and 38 more transcripts); c.548-8_548-2del (NM_001408442.1, NM_001408426.1, NM_001408436.1 and 34 more transcripts); c.-218-8_-218-2del (NM_001407967.1, NM_001407966.1); and 20 more.
Identifiers: ClinVar variation 1073509 (VCV001073509.16), dbSNP rs2154501062, ClinGen allele CA2499224589.